The following is an entry in ClinVar:

ClinVar aggregate classification (germline): Uncertain significance. Review status: criteria provided, multiple submitters, no conflicts (2 of 4 stars). 3 submissions from 3 submitters: Uncertain significance (3). Last evaluated 2025-11-30.

Conditions:
Hypogonadotropic hypogonadism 3 with or without anosmia (HH3). Also called: HYPOGONADOTROPIC HYPOGONADISM 3 WITH ANOSMIA; PROKR2-Related GnRH Deficiency (Kallmann Syndrome 3). Identifiers: Orphanet 478, MedGen C3550478, MONDO:0009482, OMIM 244200.
Inborn genetic diseases. Identifiers: MedGen C0950123, MeSH D030342.

Allele frequency attached by ClinVar (database versions not stated): gnomAD exomes below 0.00001; TOPMed below 0.00001.
gnomAD v4.1: 5 of 1,614,072 alleles (0.00031%); highest among the groups gnomAD compares: South Asian, 0.0044%; no homozygotes.

Submissions (3):

Labcorp Genetics (formerly Invitae), Labcorp
Classification: Uncertain significance. Last evaluated: 2025-11-30. Review status: criteria provided, single submitter. Criteria: Invitae Variant Classification Sherloc (09022015). Collection method: clinical testing. Allele origin: germline.
Comment: This sequence change replaces threonine, which is neutral and polar, with alanine, which is neutral and non-polar, at codon 313 of the PROKR2 protein (p.Thr313Ala). This variant is present in population databases (no rsID available, gnomAD 0.003%). This variant has not been reported in the literature in individuals affected with PROKR2-related conditions. ClinVar contains an entry for this variant (Variation ID: 2435259). Invitae Evidence Modeling of protein sequence and biophysical properties (such as structural, functional, and spatial information, amino acid conservation, physicochemical variation, residue mobility, and thermodynamic stability) indicates that this missense variant is not expected to disrupt PROKR2 protein function with a negative predictive value of 80%. In summary, the available evidence is currently insufficient to determine the role of this variant in disease. Therefore, it has been classified as a Variant of Uncertain Significance.

Ambry Genetics
Classification: Uncertain significance for Inborn genetic diseases. Last evaluated: 2025-11-23. Review status: criteria provided, single submitter. Criteria: Ambry Variant Classification Scheme 2023. Collection method: clinical testing. Allele origin: germline.

Revvity Omics, Revvity
Classification: Uncertain significance for Hypogonadotropic hypogonadism 3 with or without anosmia. Last evaluated: 2019-04-12. Review status: criteria provided, single submitter. Criteria: ACMG Guidelines, 2015. Collection method: clinical testing. Allele origin: germline.

NM_144773.4(PROKR2):c.937A>G (p.Thr313Ala)

Gene: PROKR2 (prokineticin receptor 2; minus strand). Cytogenetic location: 20p12.3.
Variant type: single nucleotide variant.
Coding change: c.937A>G on transcript NM_144773.4 (MANE Select); coding-DNA position 937, A replaced by G.
Protein change: p.Thr313Ala; replaces threonine 313 with alanine.
Molecular consequence: missense variant.
Genome position (GRCh38, 1-based): chr20:5,302,258, T>C on the plus strand (A>G on the coding strand, the complement: PROKR2 is on the minus strand). VCF-style: chr20-5302258-T-C. GRCh37 (hg19) VCF-style: chr20-5282904-T-C.
Other names: c.937A>G (NM_144773.2); short protein forms T313A.
Identifiers: ClinVar variation 2435259 (VCV002435259.5), dbSNP rs1381073853, ClinGen allele CA408166624.